The following is an entry in ClinVar:

NM_032608.7(MYO18B):c.1693-3C>T

Gene: MYO18B (myosin XVIIIB; plus strand). Cytogenetic location: 22q12.1.
Variant type: single nucleotide variant.
Coding change: c.1693-3C>T on transcript NM_032608.7 (MANE Select); 3 bases into the intron before coding-DNA position 1693, C replaced by T.
Molecular consequence: intron variant.
Genome position (GRCh38, 1-based): chr22:25,772,331, C>T. VCF-style: chr22-25772331-C-T. GRCh37 (hg19) VCF-style: chr22-26168298-C-T.
Other names: c.1693-3C>T (NM_001318245.2).
Identifiers: ClinVar variation 1350638 (VCV001350638.6), dbSNP rs2145608373, ClinGen allele CA2573158090.

ClinVar aggregate classification (germline): Uncertain significance (1 of 4 stars; one submission).

Submission:

Labcorp Genetics (formerly Invitae), Labcorp
Classification: Uncertain significance. Last evaluated: 2024-10-07. Review status: criteria provided, single submitter. Criteria: Invitae Variant Classification Sherloc (09022015). Collection method: clinical testing. Allele origin: germline.
Comment: This sequence change falls in intron 6 of the MYO18B gene. It does not directly change the encoded amino acid sequence of the MYO18B protein. It affects a nucleotide within the consensus splice site. This variant is not present in population databases (gnomAD no frequency). This variant has not been reported in the literature in individuals affected with MYO18B-related conditions. ClinVar contains an entry for this variant (Variation ID: 1350638). Variants that disrupt the consensus splice site are a relatively common cause of aberrant splicing (PMID: 17576681, 9536098). Algorithms developed to predict the effect of sequence changes on RNA splicing suggest that this variant is not likely to affect RNA splicing. In summary, the available evidence is currently insufficient to determine the role of this variant in disease. Therefore, it has been classified as a Variant of Uncertain Significance.

Literature cited by the submitters: PubMed 17576681; PubMed 9536098.